The following is an entry in ClinVar:

NM_006914.4(RORB):c.760-12dup

Gene: RORB (RAR related orphan receptor B; plus strand). Cytogenetic location: 9q21.13.
Variant type: Duplication.
Coding change: c.760-12dup on transcript NM_006914.4 (MANE Select); 12 bases into the intron before coding-DNA position 760, one base duplicated (T; older notation c.760-12dupT).
Molecular consequence: intron variant.
Genome position (GRCh38, 1-based): chr9:74,662,462, T duplicated; the last of 2 consecutive T bases (chr9:74,662,461-74,662,462); duplicating either gives the same sequence. VCF-style (leftmost placement, unchanged base first): chr9-74662460-C-CT. GRCh37 (hg19) VCF-style: chr9-77277376-C-CT.
Other names: c.793-12dup (NM_001365023.1).
Identifiers: ClinVar variation 2861948 (VCV002861948.4), dbSNP rs2489625957, ClinGen allele CA2739269285.

ClinVar aggregate classification (germline): Conflicting classifications of pathogenicity. Review status: criteria provided, conflicting classifications (1 of 4 stars). 2 submissions from 2 submitters: Uncertain significance (1); Likely benign (1). Last evaluated 2023-08-05.

Submissions (2):

GeneDx
Classification: Uncertain significance. Last evaluated: 2023-08-05. Review status: criteria provided, single submitter. Criteria: GeneDx Variant Classification Process June 2021. Collection method: clinical testing. Allele origin: germline. Affected: yes.
Comment: Not observed at significant frequency in large population cohorts (gnomAD); In silico analysis suggests this variant may impact gene splicing. In the absence of RNA/functional studies, the actual effect of this sequence change is unknown.; Has not been previously published as pathogenic or benign to our knowledge

Labcorp Genetics (formerly Invitae), Labcorp
Classification: Likely benign. Last evaluated: 2023-05-05. Review status: criteria provided, single submitter. Criteria: Invitae Variant Classification Sherloc (09022015). Collection method: clinical testing. Allele origin: germline.